The following is an entry in ClinVar:

ClinVar aggregate classification (germline): Uncertain significance (1 of 4 stars; one submission).

Conditions:
Hereditary breast ovarian cancer syndrome. Also called: Hereditary breast and ovarian cancer; Hereditary breast and ovarian cancer syndrome (HBOC); Breast and ovarian cancer; Hereditary breast and/or ovarian cancer syndrome; BRCA1- and BRCA2-Associated Hereditary Breast and Ovarian Cancer; Hereditary breast and ovarian cancer syndrome. Identifiers: Orphanet 145, MedGen C0677776, MeSH D061325, MONDO:0003582. Disease mechanism: loss of function.

Submissions (2):

Labcorp Genetics (formerly Invitae), Labcorp
Classification: Uncertain significance for Hereditary breast ovarian cancer syndrome. Last evaluated: 2020-07-27. Review status: criteria provided, single submitter. Criteria: Invitae Variant Classification Sherloc (09022015). Collection method: clinical testing. Allele origin: germline.
Comment: This sequence change falls in intron 16 of the BRCA1 gene. It does not directly change the encoded amino acid sequence of the BRCA1 protein, but it affects a nucleotide within the consensus splice site of the intron. This variant is not present in population databases (ExAC no frequency). This variant has not been reported in the literature in individuals with BRCA1-related conditions. ClinVar contains an entry for this variant (Variation ID: 868598). Nucleotide substitutions within the consensus splice site are a relatively common cause of aberrant splicing (PMID: 17576681, 9536098). Experimental studies have shown that this variant does not affect mRNA splicing (PMID: 30209399). In summary, the available evidence is currently insufficient to determine the role of this variant in disease. Therefore, it has been classified as a Variant of Uncertain Significance.

Brotman Baty Institute, University of Washington
No classification provided (evidence only). Condition: Breast-ovarian cancer, familial 1. Review status: no classification provided. Collection method: in vitro. Allele origin: not applicable. Functional consequence: functionally_normal. Not counted in ClinVar's aggregate classification.
ClinVar note: "not provided" was previously submitted as the classification for the variant. However, the classification appeared to be based only on an observation of functional data so it was converted to no classification on 2025-07-30.

Literature cited by the submitters: PubMed 17576681 (cited by Labcorp Genetics (formerly Invitae), Labcorp); PubMed 9536098 (cited by Labcorp Genetics (formerly Invitae), Labcorp); PubMed 30209399 (cited by Labcorp Genetics (formerly Invitae), Labcorp).

NM_007294.4(BRCA1):c.5074+6C>A

Gene: BRCA1 (BRCA1 DNA repair associated; minus strand). Cytogenetic location: 17q21.31.
Variant type: single nucleotide variant.
Coding change: c.5074+6C>A on transcript NM_007294.4 (MANE Select); 6 bases into the intron after coding-DNA position 5074, C replaced by A.
Molecular consequence: intron variant.
Genome position (GRCh38, 1-based): chr17:43,067,602, G>T on the plus strand (C>A on the coding strand, the complement: BRCA1 is on the minus strand). VCF-style: chr17-43067602-G-T. GRCh37 (hg19) VCF-style: chr17-41219619-G-T.
Other names: c.1621+6C>A (NM_001408458.1, NM_001408461.1, NM_001408464.1 and 7 more transcripts); c.4183+6C>A (NM_001407967.1); c.4693+6C>A (NM_001407959.1); c.4807+6C>A (NM_001407931.1, NM_001407932.1, NM_001407928.1 and 4 more transcripts); c.4930+6C>A (NM_001407747.1, NM_001407745.1, NM_001407737.1 and 21 more transcripts); c.4690+6C>A (NM_001407962.1, NM_001407960.1); c.1261+6C>A (NM_001408512.1); c.1384+6C>A (NM_001408510.1); and 71 more.
Identifiers: ClinVar variation 868598 (VCV000868598.12), dbSNP rs80358032, ClinGen allele CA916080153.
Genomic context (GRCh38, chr17:43,067,602, plus strand): 5'-CCGTGCCTCGCCTCATGTGGTTTTATGCAGCAGATGCAAGGTATTCTGTAAAGGTTCTTG[G>T]TATACCTGTTTTCATAACAACATGAGTAGTCTCTTCAGTAATTAGATTAGTTAAAGTGAT-3'